The following is an entry in ClinVar:

ClinVar aggregate classification (germline): Uncertain significance. Review status: criteria provided, multiple submitters, no conflicts (2 of 4 stars). 3 submissions from 3 submitters: Uncertain significance (3). Last evaluated 2024-08-08.

Conditions:
Renal tubular dysgenesis of genetic origin. Also called: PRIMITIVE RENAL TUBULE SYNDROME. Identifiers: Orphanet 97369, MedGen C5681536, MONDO:0009970, OMIM 267430.
Renal tubular dysgenesis. Also called: Renotubular dysgenesis. Identifiers: Orphanet 3033, MedGen C0266313, MONDO:0017609, HP:0008660.

Allele frequency attached by ClinVar (database versions not stated): ESP Exome Variant Server 0.00031; 1000 Genomes Project 0.00040; TOPMed 0.00013; ExAC 0.00014; gnomAD exomes 0.00016 and 0.00017; gnomAD 0.00018 and 0.00019; 1000 Genomes Project 30x 0.00031.
gnomAD v4.1: 276 of 1,614,154 alleles (0.017%); highest among the groups gnomAD compares: Middle Eastern, 0.12%; no homozygotes.

Submissions (3):

Labcorp Genetics (formerly Invitae), Labcorp
Classification: Uncertain significance. Last evaluated: 2024-08-08. Review status: criteria provided, single submitter. Criteria: Invitae Variant Classification Sherloc (09022015). Collection method: clinical testing. Allele origin: germline.
Comment: This sequence change replaces aspartic acid, which is acidic and polar, with asparagine, which is neutral and polar, at codon 352 of the AGT protein (p.Asp352Asn). This variant is present in population databases (rs150452789, gnomAD 0.03%). This variant has not been reported in the literature in individuals affected with AGT-related conditions. ClinVar contains an entry for this variant (Variation ID: 874000). An algorithm developed to predict the effect of missense changes on protein structure and function outputs the following: PolyPhen-2: "Benign". The asparagine amino acid residue is found in multiple mammalian species, which suggests that this missense change does not adversely affect protein function. In summary, the available evidence is currently insufficient to determine the role of this variant in disease. Therefore, it has been classified as a Variant of Uncertain Significance.

Fulgent Genetics
Classification: Uncertain significance for Renal tubular dysgenesis of genetic origin. Last evaluated: 2024-06-07. Review status: criteria provided, single submitter. Criteria: ACMG Guidelines, 2015. Collection method: clinical testing. Allele origin: germline.

Illumina Laboratory Services, Illumina
Classification: Uncertain significance for Renal tubular dysgenesis of genetic origin. Last evaluated: 2018-01-13. Review status: criteria provided, single submitter. Criteria: ICSL Variant Classification Criteria 13 December 2019. Collection method: clinical testing. Allele origin: germline.

NC_000001.11:g.230706003C>T

Gene: AGT (angiotensinogen; minus strand). Cytogenetic location: 1q42.2.
Variant type: single nucleotide variant.
Genome position: GRCh38 VCF-style: chr1-230706003-C-T. GRCh37 (hg19) VCF-style: chr1-230841749-C-T.
Other names: NM_000029.3:c.1054G>A; c.1027G>A (NM_001384479.1).
Identifiers: ClinVar variation 874000 (VCV000874000.10), dbSNP rs150452789, ClinGen allele CA1448151.
Genomic context (GRCh38, chr1:230,706,003, plus strand): 5'-GTTTCTTCATCCAGTTGAGGGAGTTTTGCTGGAAAGTGAGACCCTCCACCTTGTCCAGGT[C>T]AGAGGCATAGTGAGGCTGGATCAGCAGCAGGCAGGCGCTCTCAGTGAAGGGCACTTGAGT-3'